The following is an entry in ClinVar:

NM_000264.5(PTCH1):c.1830T>G (p.Ile610Met)

Genes: PTCH1 (patched 1; minus strand), LOC100507346 (uncharacterized LOC100507346; plus strand). Cytogenetic location: 9q22.32.
Variant type: single nucleotide variant.
Coding change: c.1830T>G on transcript NM_000264.5 (MANE Select); coding-DNA position 1830, T replaced by G.
Protein change: p.Ile610Met; replaces isoleucine 610 with methionine.
Molecular consequence: missense variant. On other transcripts: non-coding transcript variant (2).
Genome position (GRCh38, 1-based): chr9:95,469,830, A>C on the plus strand (T>G on the coding strand, the complement: PTCH1 is on the minus strand). VCF-style: chr9-95469830-A-C. GRCh37 (hg19) VCF-style: chr9-98232112-A-C.
Other names: c.1632T>G, p.Ile544Met (NM_001083602.3); c.1827T>G, p.Ile609Met (NM_001083603.3); c.1377T>G, p.Ile459Met (NM_001083604.3, NM_001083605.3, NM_001083606.3 and 1 more transcripts); c.1674T>G, p.Ile558Met (NM_001354918.2); short protein forms I609M, I459M, I558M, I610M, I544M.
Identifiers: ClinVar variation 1780953 (VCV001780953.2), dbSNP rs2538158595, ClinGen allele CA374116253.

ClinVar aggregate classification (germline): Uncertain significance (1 of 4 stars; one submission).

Conditions:
Hereditary cancer-predisposing syndrome. Also called: Neoplastic Syndromes, Hereditary; Tumor predisposition; Hereditary Cancer Syndrome; Hereditary neoplastic syndrome. Identifiers: Orphanet 140162, MedGen C0027672, MeSH D009386, MONDO:0015356.

Submission:

Ambry Genetics
Classification: Uncertain significance for Hereditary cancer-predisposing syndrome. Last evaluated: 2021-03-01. Review status: criteria provided, single submitter. Criteria: Ambry Variant Classification Scheme 2023. Collection method: clinical testing. Allele origin: germline.
Comment: The p.I610M variant (also known as c.1830T>G), located in coding exon 13 of the PTCH1 gene, results from a T to G substitution at nucleotide position 1830. The isoleucine at codon 610 is replaced by methionine, an amino acid with highly similar properties. This amino acid position is highly conserved in available vertebrate species. In addition, this alteration is predicted to be deleterious by in silico analysis. Since supporting evidence is limited at this time, the clinical significance of this alteration remains unclear.